The following is an entry in ClinVar:

ClinVar aggregate classification (germline): Pathogenic (1 of 4 stars; one submission).

Conditions:
Niemann-Pick disease, type B. Also called: Chronic Visceral ASMD (Niemann-Pick Disease Type B; NPD-B). Identifiers: Orphanet 77293, MedGen C0268243, MONDO:0011871, OMIM 607616. Disease mechanism: loss of function.
Niemann-Pick disease, type A. Also called: Infantile Neurovisceral ASMD (Niemann-Pick Disease Type A; NPD-A); SPHINGOMYELIN LIPIDOSIS; SPHINGOMYELINASE DEFICIENCY. Identifiers: Orphanet 77292, MedGen C0268242, MONDO:0009756, OMIM 257200. Disease mechanism: loss of function.

Submission:

Labcorp Genetics (formerly Invitae), Labcorp
Classification: Pathogenic for Niemann-Pick disease, type B; Niemann-Pick disease, type A. Last evaluated: 2024-02-13. Review status: criteria provided, single submitter. Criteria: Invitae Variant Classification Sherloc (09022015). Collection method: clinical testing. Allele origin: germline.
Comment: This sequence change creates a premature translational stop signal (p.Leu371Cysfs*21) in the SMPD1 gene. It is expected to result in an absent or disrupted protein product. Loss-of-function variants in SMPD1 are known to be pathogenic (PMID: 12369017, 15221801). This variant is not present in population databases (gnomAD no frequency). This variant has not been reported in the literature in individuals affected with SMPD1-related conditions. For these reasons, this variant has been classified as Pathogenic.

Literature cited by the submitters: PubMed 12369017; PubMed 15221801.

NM_000543.5(SMPD1):c.1107_1110dup (p.Leu371fs)

Gene: SMPD1 (sphingomyelin phosphodiesterase 1; plus strand). Cytogenetic location: 11p15.4.
Variant type: Duplication.
Coding change: c.1107_1110dup on transcript NM_000543.5 (MANE Select); coding-DNA positions 1107 to 1110, 4 bases duplicated (TGCT; older notation c.1107_1110dupTGCT).
Protein change: p.Leu371fs; shifts the reading frame from leucine 371.
Molecular consequence: frameshift variant. On other transcripts: non-coding transcript variant (1), intron variant (1).
Genome position (GRCh38, 1-based): chr11:6,393,231-6,393,234, TGCT duplicated. VCF-style (leftmost placement, unchanged base first): chr11-6393230-A-ATGCT. GRCh37 (hg19) VCF-style: chr11-6414460-A-ATGCT.
Other names: c.1104_1107dup, p.Leu370fs (NM_001007593.3); c.1107_1110dup, p.Leu371fs (NM_001318087.2); c.186_189dup, p.Leu64fs (NM_001318088.2); c.1132-386_1132-383dup (NM_001365135.2); short protein forms L370fs, L371fs, L64fs.
Identifiers: ClinVar variation 3754612 (VCV003754612.2).